The following is an entry in ClinVar:

NM_001478.5(B4GALNT1):c.261G>A (p.Gly87=)

Gene: B4GALNT1 (beta-1,4-N-acetyl-galactosaminyltransferase 1; minus strand). Cytogenetic location: 12q13.3.
Variant type: single nucleotide variant.
Coding change: c.261G>A on transcript NM_001478.5 (MANE Select); coding-DNA position 261, G replaced by A.
Protein change: p.Gly87=; no amino-acid change (glycine 87 retained).
Molecular consequence: synonymous variant. On other transcripts: intron variant (6).
Genome position (GRCh38, 1-based): chr12:57,631,322, C>T on the plus strand (G>A on the coding strand, the complement: B4GALNT1 is on the minus strand). VCF-style: chr12-57631322-C-T. GRCh37 (hg19) VCF-style: chr12-58025105-C-T.
Other names: c.261G>A, p.Gly87= (NM_001276469.2, NM_001413967.1, NM_001413968.1 and 9 more transcripts); c.219-236G>A (NM_001413978.1, NM_001276468.2); c.-660+17G>A (NM_001413984.1, NM_001413982.1, NM_001413981.1 and 1 more transcripts).
Identifiers: ClinVar variation 2917494 (VCV002917494.7), dbSNP rs372122596, ClinGen allele CA6655839.
Genomic context (GRCh38, chr12:57,631,322, plus strand): 5'-GTCAAAGGCCTTGGTGAGGTCAATAGCTCGGACTTGTTTCTGGAAGGGGAGGGGGAGGCC[C>T]CCCCCACTGGACTCACAACTGCAGTTGTTCCAAGCCAGCAGCCTGAAGGGGGTAGGTAGT-3'
Protein context (NP_001469.1, residues 77-97): WNNCSCESSG[Gly87=]GLPLPFQKQV

ClinVar aggregate classification (germline): Likely benign. Review status: criteria provided, multiple submitters, no conflicts (2 of 4 stars). 2 submissions from 2 submitters: Likely benign (2). Last evaluated 2026-01-01.

Conditions:
Spastic paraplegia. Identifiers: MedGen C0037772, HP:0001258.

Allele frequency attached by ClinVar (database versions not stated): gnomAD exomes below 0.00001; ExAC 0.00001; TOPMed 0.00002; ESP Exome Variant Server 0.00008.
gnomAD v4.1: 7 of 1,613,854 alleles (0.00043%); highest among the groups gnomAD compares: African/African-American, 0.0013%; no homozygotes.

Submissions (2):

CeGaT Center for Human Genetics Tuebingen
Classification: Likely benign. Last evaluated: 2026-01-01. Review status: criteria provided, single submitter. Criteria: CeGaT Center For Human Genetics Tuebingen Variant Classification Criteria Version 2. Collection method: clinical testing. Allele origin: germline. Affected: yes. Observed: 1 variant allele.
Comment: B4GALNT1: BP4, BP7

Labcorp Genetics (formerly Invitae), Labcorp
Classification: Likely benign for Spastic paraplegia. Last evaluated: 2023-02-02. Review status: criteria provided, single submitter. Criteria: Invitae Variant Classification Sherloc (09022015). Collection method: clinical testing. Allele origin: germline.